The following is an entry in ClinVar:

ClinVar aggregate classification (germline): Pathogenic (1 of 4 stars; one submission).

Submission:

CeGaT Center for Human Genetics Tuebingen
Classification: Pathogenic. Last evaluated: 2025-02-01. Review status: criteria provided, single submitter. Criteria: CeGaT Center For Human Genetics Tuebingen Variant Classification Criteria Version 2. Collection method: clinical testing. Allele origin: germline. Affected: yes. Observed: 1 variant allele.
Comment: ALPK3: PVS1, PM2

NM_020778.5(ALPK3):c.749G>A (p.Trp250Ter)

Gene: ALPK3 (alpha kinase 3; plus strand). Cytogenetic location: 15q25.3.
Variant type: single nucleotide variant.
Coding change: c.749G>A on transcript NM_020778.5 (MANE Select); coding-DNA position 749, G replaced by A.
Protein change: p.Trp250Ter; replaces tryptophan 250 with a stop codon.
Molecular consequence: nonsense.
Genome position (GRCh38, 1-based): chr15:84,840,028, G>A. VCF-style: chr15-84840028-G-A. GRCh37 (hg19) VCF-style: chr15-85383259-G-A.
Other names: short protein forms W250*.
Identifiers: ClinVar variation 3772066 (VCV003772066.13).